The following is an entry in ClinVar:

ClinVar aggregate classification (germline): Uncertain significance. Review status: criteria provided, multiple submitters, no conflicts (2 of 4 stars). 2 submissions from 2 submitters: Uncertain significance (2). Last evaluated 2022-08-15.

Allele frequency attached by ClinVar (database versions not stated): gnomAD exomes 0.00002; ExAC 0.00003; TOPMed 0.00003; gnomAD 0.00004.
gnomAD v4.1: 40 of 1,612,760 alleles (0.0025%); highest among the groups gnomAD compares: Non-Finnish European, 0.0031%; no homozygotes.

Submissions (2):

Labcorp Genetics (formerly Invitae), Labcorp
Classification: Uncertain significance. Last evaluated: 2022-08-15. Review status: criteria provided, single submitter. Criteria: Invitae Variant Classification Sherloc (09022015). Collection method: clinical testing. Allele origin: germline.
Comment: In summary, the available evidence is currently insufficient to determine the role of this variant in disease. Therefore, it has been classified as a Variant of Uncertain Significance. Algorithms developed to predict the effect of sequence changes on RNA splicing suggest that this variant may create or strengthen a splice site. Algorithms developed to predict the effect of missense changes on protein structure and function are either unavailable or do not agree on the potential impact of this missense change (SIFT: "Deleterious"; PolyPhen-2: "Probably Damaging"; Align-GVGD: "Class C15"). ClinVar contains an entry for this variant (Variation ID: 212653). This variant has not been reported in the literature in individuals affected with ZNF335-related conditions. This variant is present in population databases (rs770813545, gnomAD 0.003%). This sequence change replaces aspartic acid, which is acidic and polar, with glycine, which is neutral and non-polar, at codon 198 of the ZNF335 protein (p.Asp198Gly).

Genetic Services Laboratory, University of Chicago
Classification: Uncertain significance. Last evaluated: 2014-08-05. Review status: criteria provided, single submitter. Criteria: ACMG Guidelines, 2015. Collection method: clinical testing. Allele origin: germline.

NM_022095.4(ZNF335):c.593A>G (p.Asp198Gly)

Gene: ZNF335 (zinc finger protein 335; minus strand). Cytogenetic location: 20q13.12.
Variant type: single nucleotide variant.
Coding change: c.593A>G on transcript NM_022095.4 (MANE Select); coding-DNA position 593, A replaced by G.
Protein change: p.Asp198Gly; replaces aspartic acid 198 with glycine.
Molecular consequence: missense variant.
Genome position (GRCh38, 1-based): chr20:45,967,955, T>C on the plus strand (A>G on the coding strand, the complement: ZNF335 is on the minus strand). VCF-style: chr20-45967955-T-C. GRCh37 (hg19) VCF-style: chr20-44596594-T-C.
Other names: short protein forms D198G.
Identifiers: ClinVar variation 212653 (VCV000212653.11), dbSNP rs770813545, ClinGen allele CA208346.
Genomic context (GRCh38, chr20:45,967,955, plus strand): 5'-TGCACCGGGGAGCTGGGCCCACCCTGTGCCTCCAGGCATGTGGATGTGGATGTGGGGCCA[T>C]CTGCCAGGGCCTCAATGGCTGCTAGGCTGTGGGCCAAGGTGGAACTGGACATTGGTGATG-3'
Protein context (NP_071378.1, residues 188-208): HSLAAIEALA[Asp198Gly]GPTSTSTCLE